The following is an entry in ClinVar:

ClinVar aggregate classification (germline): Uncertain significance (1 of 4 stars; one submission).

Conditions:
RASopathy. Also called: rasopathies; Noonan spectrum disorder. Identifiers: Orphanet 536391, MedGen C5555857, MONDO:0021060.

Submission:

Labcorp Genetics (formerly Invitae), Labcorp
Classification: Uncertain significance for RASopathy. Last evaluated: 2024-09-05. Review status: criteria provided, single submitter. Criteria: Invitae Variant Classification Sherloc (09022015). Collection method: clinical testing. Allele origin: germline.
Comment: This sequence change replaces glutamic acid, which is acidic and polar, with lysine, which is basic and polar, at codon 1004 of the SOS1 protein (p.Glu1004Lys). This variant is not present in population databases (gnomAD no frequency). This variant has not been reported in the literature in individuals affected with SOS1-related conditions. Invitae Evidence Modeling of protein sequence and biophysical properties (such as structural, functional, and spatial information, amino acid conservation, physicochemical variation, residue mobility, and thermodynamic stability) indicates that this missense variant is expected to disrupt SOS1 protein function with a positive predictive value of 80%. In summary, the available evidence is currently insufficient to determine the role of this variant in disease. Therefore, it has been classified as a Variant of Uncertain Significance.

NM_005633.4(SOS1):c.3010G>A (p.Glu1004Lys)

Gene: SOS1 (SOS Ras/Rac guanine nucleotide exchange factor 1; minus strand). Cytogenetic location: 2p22.1.
Variant type: single nucleotide variant.
Coding change: c.3010G>A on transcript NM_005633.4 (MANE Select); coding-DNA position 3010, G replaced by A.
Protein change: p.Glu1004Lys; replaces glutamic acid 1004 with lysine.
Molecular consequence: missense variant.
Genome position (GRCh38, 1-based): chr2:38,996,993, C>T on the plus strand (G>A on the coding strand, the complement: SOS1 is on the minus strand). VCF-style: chr2-38996993-C-T. GRCh37 (hg19) VCF-style: chr2-39224134-C-T.
Other names: c.2989G>A, p.Glu997Lys (NM_001382394.1); c.3010G>A, p.Glu1004Lys (NM_001382395.1); short protein forms E1004K, E997K.
Identifiers: ClinVar variation 2758556 (VCV002758556.3), dbSNP rs2528923712, ClinGen allele CA346361448.